The following is an entry in ClinVar:

NM_006516.4(SLC2A1):c.1017dup (p.Gly340fs)

Gene: SLC2A1 (solute carrier family 2 member 1; minus strand). Cytogenetic location: 1p34.2.
Variant type: Duplication.
Coding change: c.1017dup on transcript NM_006516.4 (MANE Select); coding-DNA position 1017, one base duplicated (A; older notation c.1017dupA).
Protein change: p.Gly340fs; shifts the reading frame from glycine 340.
Molecular consequence: frameshift variant.
Genome position (GRCh38, 1-based): chr1:42,928,989, T duplicated on the plus strand (A on the coding strand, the reverse complement: SLC2A1 is on the minus strand). VCF-style (leftmost placement, unchanged base first): chr1-42928988-C-CT. GRCh37 (hg19) VCF-style: chr1-43394659-C-CT.
Other names: short protein forms G340fs.
Identifiers: ClinVar variation 1069807 (VCV001069807.2), dbSNP rs2124447989, ClinGen allele CA2499214718.

ClinVar aggregate classification (germline): Pathogenic (1 of 4 stars; one submission).

Conditions:
GLUT1 deficiency syndrome 1, autosomal recessive. Identifiers: MedGen C3149117.

Submission:

Labcorp Genetics (formerly Invitae), Labcorp
Classification: Pathogenic for GLUT1 deficiency syndrome 1, autosomal recessive. Last evaluated: 2020-08-29. Review status: criteria provided, single submitter. Criteria: Invitae Variant Classification Sherloc (09022015). Collection method: clinical testing. Allele origin: germline.
Comment: This sequence change creates a premature translational stop signal (p.Gly340Argfs*41) in the SLC2A1 gene. It is expected to result in an absent or disrupted protein product. This variant is not present in population databases (ExAC no frequency). This variant has not been reported in the literature in individuals with SLC2A1-related conditions. Loss-of-function variants in SLC2A1 are known to be pathogenic (PMID: 21832227, 26193382). For these reasons, this variant has been classified as Pathogenic.

Literature cited by the submitters: PubMed 21832227; PubMed 26193382.